The following is an entry in ClinVar:

ClinVar aggregate classification (germline): Likely benign. Review status: criteria provided, multiple submitters, no conflicts (2 of 4 stars). 3 submissions from 3 submitters: Likely benign (3). Last evaluated 2025-06-15.

Conditions:
Ehlers-Danlos syndrome, classic type, 1 (EDSCL1). Also called: EDS I; EHLERS-DANLOS SYNDROME, GRAVIS TYPE; EHLERS-DANLOS SYNDROME, SEVERE CLASSIC TYPE; Ehlers-Danlos syndrome, type 1; Ehlers-Danlos Syndrome, Classic Type, COL5A1-Related. Identifiers: MedGen C0268335, MONDO:0019567, OMIM 130000.
Familial thoracic aortic aneurysm and aortic dissection (TAAD). Also called: Thoracic aortic aneurysms and dissections. Identifiers: Orphanet 91387, MedGen C4707243, MONDO:0019625.

Allele frequency attached by ClinVar (database versions not stated): gnomAD 0.00001; ExAC 0.00002; gnomAD exomes 0.00002; TOPMed 0.00002.
gnomAD v4.1: 28 of 1,613,828 alleles (0.0017%); highest among the groups gnomAD compares: Admixed American, 0.0067%; no homozygotes.

Submissions (3):

Labcorp Genetics (formerly Invitae), Labcorp
Classification: Likely benign for Ehlers-Danlos syndrome, classic type, 1. Last evaluated: 2025-06-15. Review status: criteria provided, single submitter. Criteria: Invitae Variant Classification Sherloc (09022015). Collection method: clinical testing. Allele origin: germline.

CeGaT Center for Human Genetics Tuebingen
Classification: Likely benign. Last evaluated: 2022-12-01. Review status: criteria provided, single submitter. Criteria: CeGaT Center For Human Genetics Tuebingen Variant Classification Criteria Version 2. Collection method: clinical testing. Allele origin: germline. Affected: yes. Observed: 1 variant allele.
Comment: COL5A2: BP4, BP7

Ambry Genetics
Classification: Likely benign for Familial thoracic aortic aneurysm and aortic dissection. Last evaluated: 2022-11-19. Review status: criteria provided, single submitter. Criteria: Ambry Variant Classification Scheme 2023. Collection method: clinical testing. Allele origin: germline.

NM_000393.5(COL5A2):c.3195A>G (p.Gly1065=)

Gene: COL5A2 (collagen type V alpha 2 chain; minus strand). Cytogenetic location: 2q32.2.
Variant type: single nucleotide variant.
Coding change: c.3195A>G on transcript NM_000393.5 (MANE Select); coding-DNA position 3195, A replaced by G.
Protein change: p.Gly1065=; no amino-acid change (glycine 1065 retained).
Molecular consequence: synonymous variant.
Genome position (GRCh38, 1-based): chr2:189,048,215, T>C on the plus strand (A>G on the coding strand, the complement: COL5A2 is on the minus strand). VCF-style: chr2-189048215-T-C. GRCh37 (hg19) VCF-style: chr2-189912941-T-C.
Other names: c.3195A>G (NM_000393.3).
Identifiers: ClinVar variation 1446596 (VCV001446596.33), dbSNP rs746246121, ClinGen allele CA2022085.